The following is an entry in ClinVar:

NM_001376937.1(H3C4):c.83A>T (p.Lys28Met)

Gene: H3C4 (H3 clustered histone 4; minus strand). Cytogenetic location: 6p22.2.
Variant type: single nucleotide variant.
Coding change: c.83A>T on transcript NM_001376937.1 (MANE Select); coding-DNA position 83, A replaced by T.
Protein change: p.Lys28Met; replaces lysine 28 with methionine.
Molecular consequence: missense variant.
Genome position (GRCh38, 1-based): chr6:26,197,168, T>A on the plus strand (A>T on the coding strand, the complement: H3C4 is on the minus strand). VCF-style: chr6-26197168-T-A. GRCh37 (hg19) VCF-style: chr6-26197396-T-A.
Other names: c.83A>T, p.Lys28Met (NM_003530.4); short protein forms K28M.
Identifiers: ClinVar variation 4530464 (VCV004530464.1).

ClinVar aggregate classification (somatic clinical impact): Tier II - Potential (1 of 4 stars; one submission).

Conditions:
Ependymoma. Also called: Ependymoma, familial; Clear cell ependymoma (histologic variant); Papillary ependymoma (histologic variant); Cellular ependymoma (histologic variant); Tanycytic ependymoma (histologic variant). Identifiers: Orphanet 251636, MedGen C0014474, MeSH D004806, MONDO:0016698, HP:0002888.

Submission:

Institute for Genomic Medicine (IGM) Clinical Laboratory, Nationwide Children's Hospital
Classification: Tier II - Potential for Ependymoma. Assertion type: diagnostic. Clinical significance: supports diagnosis. Last evaluated: 2023-05-16. Review status: criteria provided, single submitter. Criteria: AMP/ASCO/CAP Guidelines, 2017. Collection method: clinical testing. Allele origin: somatic. Affected: yes.
Comment: Variant has Tier II (potential) clinical significance as a diagnostic inclusion criterion in ependymoma, based on the following evidence: 1) Documented in one or more cancer databases (e.g., St. Jude Pecan, COSMIC, CIViC, OncoKB). 2) Appears in one or more well-established professional guidelines (e.g., World Health Organization [WHO]; National Comprehensive Cancer Network [NCCN]) as providing diagnostic, prognostic, or therapeutic information. 3) Assists in diagnosis alone or along with other biomarkers based on small studies or few case reports (Evidence Level D).